The following is an entry in ClinVar:

ClinVar aggregate classification (germline): Likely pathogenic (1 of 4 stars; one submission).

Conditions:
Developmental and epileptic encephalopathy 94 (DEE94). Also called: Epileptic encephalopathy, childhood-onset; CHD2-Related Neurodevelopmental Disorders. Identifiers: Orphanet 1942, Orphanet 2382, MedGen C3809278, MONDO:0014150, OMIM 615369.

Submission:

Labcorp Genetics (formerly Invitae), Labcorp
Classification: Likely pathogenic for Developmental and epileptic encephalopathy 94. Last evaluated: 2019-03-18. Review status: criteria provided, single submitter. Criteria: Invitae Variant Classification Sherloc (09022015). Collection method: clinical testing. Allele origin: germline.
Comment: This sequence change affects a donor splice site in intron 4 of the CHD2 gene. It is expected to disrupt RNA splicing and likely results in an absent or disrupted protein product. This variant is not present in population databases (ExAC no frequency). In summary, the currently available evidence indicates that the variant is pathogenic, but additional data are needed to prove that conclusively. Therefore, this variant has been classified as Likely Pathogenic. Donor and acceptor splice site variants typically lead to a loss of protein function (PMID: 16199547), and loss-of-function variants in CHD2 are known to be pathogenic (PMID: 23708187, 24207121).

Literature cited by the submitters: PubMed 16199547; PubMed 23708187; PubMed 24207121.

NM_001271.4(CHD2):c.381+1G>A

Gene: CHD2 (chromodomain helicase DNA binding protein 2; plus strand). Cytogenetic location: 15q26.1.
Variant type: single nucleotide variant.
Coding change: c.381+1G>A on transcript NM_001271.4 (MANE Select); the canonical splice donor site of the intron after coding-DNA position 381, G replaced by A.
Molecular consequence: splice donor variant.
Genome position (GRCh38, 1-based): chr15:92,927,331, G>A. VCF-style: chr15-92927331-G-A. GRCh37 (hg19) VCF-style: chr15-93470561-G-A.
Other names: c.381+1G>A (NM_001042572.3).
Identifiers: ClinVar variation 837017 (VCV000837017.10), dbSNP rs2053081680, ClinGen allele CA393897047.